The following is an entry in ClinVar:

NM_032387.5(WNK4):c.3187G>C (p.Gly1063Arg)

Gene: WNK4 (WNK lysine deficient protein kinase 4; plus strand). Cytogenetic location: 17q21.2.
Variant type: single nucleotide variant.
Coding change: c.3187G>C on transcript NM_032387.5 (MANE Select); coding-DNA position 3187, G replaced by C.
Protein change: p.Gly1063Arg; replaces glycine 1063 with arginine.
Molecular consequence: missense variant.
Genome position (GRCh38, 1-based): chr17:42,795,789, G>C. VCF-style: chr17-42795789-G-C. GRCh37 (hg19) VCF-style: chr17-40947807-G-C.
Other names: c.2179G>C, p.Gly727Arg (NM_001321299.2); short protein forms G727R, G1063R.
Identifiers: ClinVar variation 4748688 (VCV004748688.1).

ClinVar aggregate classification (germline): Uncertain significance (1 of 4 stars; one submission).

gnomAD v4.1: 5 of 1,613,678 alleles (0.00031%); highest among the groups gnomAD compares: Admixed American, 0.0067%; no homozygotes.

Submission:

Labcorp Genetics (formerly Invitae), Labcorp
Classification: Uncertain significance. Last evaluated: 2025-10-10. Review status: criteria provided, single submitter. Criteria: Invitae Variant Classification Sherloc (09022015). Collection method: clinical testing. Allele origin: germline.
Comment: This sequence change replaces glycine, which is neutral and non-polar, with arginine, which is basic and polar, at codon 1063 of the WNK4 protein (p.Gly1063Arg). This variant is present in population databases (no rsID available, gnomAD no frequency). This variant has not been reported in the literature in individuals affected with WNK4-related conditions. Invitae Evidence Modeling of protein sequence and biophysical properties (such as structural, functional, and spatial information, amino acid conservation, physicochemical variation, residue mobility, and thermodynamic stability) indicates that this missense variant is not expected to disrupt WNK4 protein function with a negative predictive value of 95%. In summary, the available evidence is currently insufficient to determine the role of this variant in disease. Therefore, it has been classified as a Variant of Uncertain Significance.